The following is an entry in ClinVar:

NM_000284.3(PDHA1):c.900_932dup

Gene: PDHA1 (pyruvate dehydrogenase E1 subunit alpha 1; plus strand). Cytogenetic location: Xp22.12.
Variant type: Duplication.
Coding change: c.900_932dup on transcript NM_000284.3; coding-DNA positions 900 to 932, 33 bases duplicated.
Genome position (GRCh38, 1-based): chrX:19,358,916-19,358,948, 33 bases duplicated; duplicating any 33 consecutive bases within chrX:19,358,914-19,358,948 gives the same sequence; the c. name uses the placement nearest the transcript's 3' end. GRCh37 (hg19): chrX:19,377,034-19,377,066.
Identifiers: ClinVar variation 4070394 (VCV004070394.1).

ClinVar aggregate classification (germline): Likely pathogenic (0 of 4 stars; one submission).

Conditions:
Pyruvate dehydrogenase E1-alpha deficiency (PDHAD). Also called: ATAXIA, INTERMITTENT, WITH PYRUVATE DEHYDROGENASE DEFICIENCY; ATAXIA WITH LACTIC ACIDOSIS I; ATAXIA, INTERMITTENT, WITH ABNORMAL PYRUVATE METABOLISM; Ataxia, intermittent, with pyruvate dehydrogenase, or decarboxylase, deficiency. Identifiers: Orphanet 79243, MedGen C1839413, MONDO:0010717, OMIM 312170.

Submission:

PDHA1 Study Group, University Children’s Hospital, Paracelsus Medical University
Classification: Likely pathogenic for Pyruvate dehydrogenase E1-alpha deficiency. Last evaluated: 2024-10-15. Review status: no assertion criteria provided. Collection method: research. Allele origin: germline. Affected: yes. Observed: 1 variant allele.
Comment: The NM_000284.3:c.900_932dup (p.?) variant affects splicing in PDHA1 gene. Last literature search: July 12, 2024. This variant is absent or extremely rare in population-based cohorts in the Genome Aggregation Database (gnomAD). Individuals harboring this variant presented with clinical features compatible with PDHA1-related PDHc deficiency. In summary, this variant meets criteria to be classified as likely pathogenic (LP) for PDHA1-related PDHc deficiency based on the ACMG/AMP criteria applied: PS3, PM2, PM7, PP3 (last assessment October 15, 2024).

Literature cited by the submitters: DOI 10.1093/brain/awaf430.